The following is an entry in ClinVar:

NM_024675.4(PALB2):c.321T>C (p.Phe107=)

Gene: PALB2 (partner and localizer of BRCA2; minus strand). Cytogenetic location: 16p12.2.
Variant type: single nucleotide variant.
Coding change: c.321T>C on transcript NM_024675.4 (MANE Select); coding-DNA position 321, T replaced by C.
Protein change: p.Phe107=; no amino-acid change (phenylalanine 107 retained).
Molecular consequence: synonymous variant.
Genome position (GRCh38, 1-based): chr16:23,636,225, A>G on the plus strand (T>C on the coding strand, the complement: PALB2 is on the minus strand). VCF-style: chr16-23636225-A-G. GRCh37 (hg19) VCF-style: chr16-23647546-A-G.
Identifiers: ClinVar variation 823231 (VCV000823231.14), dbSNP rs781049663, ClinGen allele CA494165518.

ClinVar aggregate classification (germline): Benign/Likely benign. Review status: criteria provided, multiple submitters, no conflicts (2 of 4 stars). 3 submissions from 3 submitters: Benign (1); Likely benign (2). Last evaluated 2025-01-10.

Conditions:
Hereditary cancer-predisposing syndrome. Also called: Tumor predisposition; Hereditary Cancer Syndrome; Neoplastic Syndromes, Hereditary; Hereditary neoplastic syndrome. Identifiers: Orphanet 140162, MedGen C0027672, MeSH D009386, MONDO:0015356.
Familial cancer of breast. Also called: BREAST CANCER, FAMILIAL; Hereditary breast cancer; hereditary breast carcinoma. Identifiers: Orphanet 227535, MedGen C0346153, MONDO:0016419, OMIM 114480. Disease mechanism: loss of function.

Submissions (3):

Myriad Genetics, Inc.
Classification: Benign for Familial cancer of breast. Last evaluated: 2025-01-10. Review status: criteria provided, single submitter. Criteria: Myriad Autosomal Dominant, Autosomal Recessive and X-Linked Classification Criteria (2023). Collection method: clinical testing. Allele origin: unknown.
Comment: This variant is considered benign. This variant is a silent/synonymous amino acid change and it is not expected to impact splicing.

Labcorp Genetics (formerly Invitae), Labcorp
Classification: Likely benign for Familial cancer of breast. Last evaluated: 2021-08-27. Review status: criteria provided, single submitter. Criteria: Invitae Variant Classification Sherloc (09022015). Collection method: clinical testing. Allele origin: germline.

Ambry Genetics
Classification: Likely benign for Hereditary cancer-predisposing syndrome. Last evaluated: 2018-06-21. Review status: criteria provided, single submitter. Criteria: Ambry Variant Classification Scheme 2023. Collection method: clinical testing. Allele origin: germline.